The following is an entry in ClinVar:

NM_001135146.2(SLC39A8):c.552+6G>T

Gene: SLC39A8 (solute carrier family 39 member 8; minus strand). Cytogenetic location: 4q24.
Variant type: single nucleotide variant.
Coding change: c.552+6G>T on transcript NM_001135146.2 (MANE Select); 6 bases into the intron after coding-DNA position 552, G replaced by T.
Molecular consequence: intron variant.
Genome position (GRCh38, 1-based): chr4:102,307,430, C>A on the plus strand (G>T on the coding strand, the complement: SLC39A8 is on the minus strand). VCF-style: chr4-102307430-C-A. GRCh37 (hg19) VCF-style: chr4-103228587-C-A.
Other names: c.552+6G>T (NM_001135147.1, NM_022154.5); c.351+6G>T (NM_001135148.2).
Identifiers: ClinVar variation 2246159 (VCV002246159.3), dbSNP rs1449782421, ClinGen allele CA553576350.
Genomic context (GRCh38, chr4:102,307,430, plus strand): 5'-CATACAAAGTGCTAAAACGTTCAAAAGAAACAATTATTCACAGAAACAAATAGCCAACAT[C>A]CTTACCTCTGGAATAAGTTGGAAAATTGCATTTGAAAAAAGAGTCCCAATAGCCAGCCCC-3'

ClinVar aggregate classification (germline): Uncertain significance. Review status: criteria provided, multiple submitters, no conflicts (2 of 4 stars). 2 submissions from 2 submitters: Uncertain significance (2). Last evaluated 2022-10-13.

Conditions:
Inborn genetic diseases. Identifiers: MedGen C0950123, MeSH D030342.

Allele frequency attached by ClinVar (database versions not stated): gnomAD 0.00001; TOPMed 0.00001; gnomAD exomes 0.00005.
gnomAD v4.1: 71 of 1,612,538 alleles (0.0044%); highest among the groups gnomAD compares: Non-Finnish European, 0.0057%; no homozygotes.

Submissions (2):

Labcorp Genetics (formerly Invitae), Labcorp
Classification: Uncertain significance. Last evaluated: 2022-10-13. Review status: criteria provided, single submitter. Criteria: Invitae Variant Classification Sherloc (09022015). Collection method: clinical testing. Allele origin: germline.
Comment: In summary, the available evidence is currently insufficient to determine the role of this variant in disease. Therefore, it has been classified as a Variant of Uncertain Significance. Variants that disrupt the consensus splice site are a relatively common cause of aberrant splicing (PMID: 17576681, 9536098). Algorithms developed to predict the effect of sequence changes on RNA splicing suggest that this variant is not likely to affect RNA splicing. This variant has not been reported in the literature in individuals affected with SLC39A8-related conditions. This variant is present in population databases (no rsID available, gnomAD 0.002%). This sequence change falls in intron 3 of the SLC39A8 gene. It does not directly change the encoded amino acid sequence of the SLC39A8 protein. It affects a nucleotide within the consensus splice site.

Ambry Genetics
Classification: Uncertain significance for Inborn genetic diseases. Last evaluated: 2021-09-24. Review status: criteria provided, single submitter. Criteria: Ambry Variant Classification Scheme 2023. Collection method: clinical testing. Allele origin: germline.
Comment: The c.552+6G>T intronic alteration consists of a G to T substitution nucleotides after coding exon 3 in the SLC39A8 gene. Based on insufficient or conflicting evidence, the clinical significance of this alteration remains unclear.

Literature cited by the submitters: PubMed 17576681 (cited by Labcorp Genetics (formerly Invitae), Labcorp); PubMed 9536098 (cited by Labcorp Genetics (formerly Invitae), Labcorp).